The following is an entry in ClinVar:

NM_000061.3(BTK):c.1942C>T (p.Leu648=)

Gene: BTK (Bruton tyrosine kinase; minus strand). Cytogenetic location: Xq22.1.
Variant type: single nucleotide variant.
Coding change: c.1942C>T on transcript NM_000061.3 (MANE Select); coding-DNA position 1942, C replaced by T.
Protein change: p.Leu648=; no amino-acid change (leucine 648 retained).
Molecular consequence: synonymous variant.
Genome position (GRCh38, 1-based): chrX:101,349,923, G>A on the plus strand (C>T on the coding strand, the complement: BTK is on the minus strand). VCF-style: chrX-101349923-G-A. GRCh37 (hg19) VCF-style: chrX-100604911-G-A.
Other names: c.2044C>T, p.Leu682= (NM_001287344.2); c.1414C>T, p.Leu472= (NM_001287345.2).
Identifiers: ClinVar variation 3671738 (VCV003671738.3).

ClinVar aggregate classification (germline): Conflicting classifications of pathogenicity. Review status: criteria provided, conflicting classifications (1 of 4 stars). 2 submissions from 2 submitters: Uncertain significance (1); Likely benign (1). Last evaluated 2025-06-09.

Conditions:
X-linked agammaglobulinemia with growth hormone deficiency (IGHD3). Also called: Isolated growth hormone deficiency type 3; Growth hormone deficiency with hypogammaglobulinemia; AGAMMAGLOBULINEMIA AND ISOLATED GROWTH HORMONE DEFICIENCY, X-LINKED; ISOLATED GROWTH HORMONE DEFICIENCY, TYPE III, WITH AGAMMAGLOBULINEMIA; FLEISHER SYNDROME; HYPOGAMMAGLOBULINEMIA AND ISOLATED GROWTH HORMONE DEFICIENCY, X-LINKED. Identifiers: Orphanet 231692, Orphanet 631, MedGen C0472813, MONDO:0010615, OMIM 307200.

Submissions (2):

Labcorp Genetics (formerly Invitae), Labcorp
Classification: Uncertain significance for X-linked agammaglobulinemia with growth hormone deficiency. Last evaluated: 2025-06-09. Review status: criteria provided, single submitter. Criteria: Invitae Variant Classification Sherloc (09022015). Collection method: clinical testing. Allele origin: germline.
Comment: This sequence change affects codon 648 of the BTK mRNA. It is a 'silent' change, meaning that it does not change the encoded amino acid sequence of the BTK protein. This variant is not present in population databases (gnomAD no frequency). This variant has not been reported in the literature in individuals affected with BTK-related conditions. ClinVar contains an entry for this variant (Variation ID: 3671738). Algorithms developed to predict the effect of sequence changes on RNA splicing suggest that this variant may disrupt the consensus splice site. In summary, the available evidence is currently insufficient to determine the role of this variant in disease. Therefore, it has been classified as a Variant of Uncertain Significance.

Blueprint Genetics
Classification: Likely benign. Last evaluated: 2022-09-07. Review status: criteria provided, single submitter. Criteria: ACMG Guidelines, 2015. Collection method: clinical testing. Allele origin: germline.